The following is an entry in ClinVar:

ClinVar aggregate classification (germline): Uncertain significance (1 of 4 stars; one submission).

Submission:

Labcorp Genetics (formerly Invitae), Labcorp
Classification: Uncertain significance. Last evaluated: 2024-07-31. Review status: criteria provided, single submitter. Criteria: Invitae Variant Classification Sherloc (09022015). Collection method: clinical testing. Allele origin: germline.
Comment: This sequence change creates a premature translational stop signal (p.Met423Leufs*26) in the SLC44A4 gene. It is expected to result in an absent or disrupted protein product. However, the current clinical and genetic evidence is not sufficient to establish whether loss-of-function variants in SLC44A4 cause disease. This variant is present in population databases (rs750140066, gnomAD 0.002%). This variant has not been reported in the literature in individuals affected with SLC44A4-related conditions. In summary, the available evidence is currently insufficient to determine the role of this variant in disease. Therefore, it has been classified as a Variant of Uncertain Significance.

NM_025257.3(SLC44A4):c.1266_1285del (p.Met423fs)

Gene: SLC44A4 (solute carrier family 44 member 4; minus strand). Cytogenetic location: 6p21.33.
Variant type: Deletion.
Coding change: c.1266_1285del on transcript NM_025257.3 (MANE Select); coding-DNA positions 1266 to 1285, 20 bases deleted (GATGTGCGTCTTCCAGGGCT).
Protein change: p.Met423fs; shifts the reading frame from methionine 423.
Molecular consequence: frameshift variant.
Genome position (GRCh38, 1-based): chr6:31,866,075-31,866,094, AGCCCTGGAAGACGCACATC deleted on the plus strand (GATGTGCGTCTTCCAGGGCT on the coding strand, the reverse complement: SLC44A4 is on the minus strand); deleting any 20 consecutive bases within chr6:31,866,075-31,866,102 gives the same sequence; the c. name uses the placement nearest the transcript's 3' end. VCF-style (leftmost placement, unchanged base first): chr6-31866074-TAGCCCTGGAAGACGCACATC-T. GRCh37 (hg19) VCF-style: chr6-31833851-TAGCCCTGGAAGACGCACATC-T.
Other names: c.1140_1159del, p.Met381fs (NM_001178044.2); c.1038_1057del, p.Met347fs (NM_001178045.2); short protein forms M347fs, M381fs, M423fs.
Identifiers: ClinVar variation 3629423 (VCV003629423.2).